The following is an entry in ClinVar:

ClinVar aggregate classification (germline): Uncertain significance (1 of 4 stars; one submission).

gnomAD v4.1: 90 of 1,613,996 alleles (0.0056%); highest among the groups gnomAD compares: Non-Finnish European, 0.0072%; no homozygotes.

Submission:

CeGaT Center for Human Genetics Tuebingen
Classification: Uncertain significance. Last evaluated: 2026-08-01. Review status: criteria provided, single submitter. Criteria: CeGaT Center For Human Genetics Tuebingen Variant Classification Criteria Version 2. Collection method: clinical testing. Allele origin: germline. Affected: yes. Observed: 1 variant allele.
Comment: TMEM63A: PM2:Supporting, BP4

NM_014698.3(TMEM63A):c.37A>G (p.Lys13Glu)

Gene: TMEM63A (transmembrane protein 63A; minus strand). Cytogenetic location: 1q42.12.
Variant type: single nucleotide variant.
Coding change: c.37A>G on transcript NM_014698.3 (MANE Select); coding-DNA position 37, A replaced by G.
Protein change: p.Lys13Glu; replaces lysine 13 with glutamic acid.
Molecular consequence: missense variant.
Genome position (GRCh38, 1-based): chr1:225,877,544, T>C on the plus strand (A>G on the coding strand, the complement: TMEM63A is on the minus strand). VCF-style: chr1-225877544-T-C. GRCh37 (hg19) VCF-style: chr1-226065244-T-C.
Other names: short protein forms K13E.
Identifiers: ClinVar variation 5039699 (VCV005039699.1).